The following is an entry in ClinVar:

NM_032130.3(FAM186B):c.2326C>T (p.Arg776Ter)

Gene: FAM186B (family with sequence similarity 186 member B; minus strand). Cytogenetic location: 12q13.12.
Variant type: single nucleotide variant.
Coding change: c.2326C>T on transcript NM_032130.3 (MANE Select); coding-DNA position 2326, C replaced by T.
Protein change: p.Arg776Ter; replaces arginine 776 with a stop codon.
Molecular consequence: nonsense. On other transcripts: non-coding transcript variant (1).
Genome position (GRCh38, 1-based): chr12:49,598,793, G>A on the plus strand (C>T on the coding strand, the complement: FAM186B is on the minus strand). VCF-style: chr12-49598793-G-A. GRCh37 (hg19) VCF-style: chr12-49992576-G-A.
Other names: short protein forms R776*.
Identifiers: ClinVar variation 2413320 (VCV002413320.6), dbSNP rs765632091, ClinGen allele CA6554503.

ClinVar aggregate classification (germline): Uncertain significance (1 of 4 stars; one submission).

Allele frequency attached by ClinVar (database versions not stated): ExAC 0.00003; gnomAD 0.00003; TOPMed 0.00004.
gnomAD v4.1: 36 of 1,611,824 alleles (0.0022%); highest among the groups gnomAD compares: Admixed American, 0.022%; no homozygotes.

Submission:

Labcorp Genetics (formerly Invitae), Labcorp
Classification: Uncertain significance. Last evaluated: 2022-05-13. Review status: criteria provided, single submitter. Criteria: Invitae Variant Classification Sherloc (09022015). Collection method: clinical testing. Allele origin: germline.
Comment: In summary, the available evidence is currently insufficient to determine the role of this variant in disease. Therefore, it has been classified as a Variant of Uncertain Significance. This variant has not been reported in the literature in individuals affected with FAM186B-related conditions. This variant is present in population databases (rs765632091, gnomAD 0.03%). This sequence change creates a premature translational stop signal (p.Arg776*) in the FAM186B gene. It is expected to result in an absent or disrupted protein product. However, the current clinical and genetic evidence is not sufficient to establish whether loss-of-function variants in FAM186B cause disease.